The following is an entry in ClinVar:

NM_016239.4(MYO15A):c.6518C>T (p.Ser2173Phe)

Gene: MYO15A (myosin XVA; plus strand). Cytogenetic location: 17p11.2.
Variant type: single nucleotide variant.
Coding change: c.6518C>T on transcript NM_016239.4 (MANE Select); coding-DNA position 6518, C replaced by T.
Protein change: p.Ser2173Phe; replaces serine 2173 with phenylalanine.
Molecular consequence: missense variant.
Genome position (GRCh38, 1-based): chr17:18,148,037, C>T. VCF-style: chr17-18148037-C-T. GRCh37 (hg19) VCF-style: chr17-18051351-C-T.
Other names: short protein forms S2173F.
Identifiers: ClinVar variation 4852821 (VCV004852821.1).

ClinVar aggregate classification (germline): Likely pathogenic (1 of 4 stars; one submission).

Conditions:
Autosomal recessive nonsyndromic hearing loss 3. Also called: NEUROSENSORY NONSYNDROMIC RECESSIVE DEAFNESS 3. Identifiers: Orphanet 90636, MedGen C1838263, MONDO:0010860, OMIM 600316.

Submission:

Laboratory of Molecular, Cellular and Translation Genetics in Otolaryngology/ Lim32-hcfmusp, University of Sao Paulo School of Medicine Clinics Hospital
Classification: Likely pathogenic for Autosomal recessive nonsyndromic hearing loss 3. Last evaluated: 2026-04-30. Review status: criteria provided, single submitter. Criteria: ClinGen HL ACMG Specifications v1. Collection method: research. Allele origin: germline. Affected: yes.
Comment: NM_016239.4:c..6518C>T:p.(Ser2173Phe). This variant has been classified as likely pathogenic. It is rare in population databases (PM2) and in silico prediction tools support a deleterious effect on protein function (PP3_moderate). It has been previously reported in trans with other pathogenic MYO15A variants (PM3). These findings support its role in autosomal recessive hearing loss.

Literature cited by the submitters: PubMed 35440622; PubMed 42233699.